The following is an entry in ClinVar:

ClinVar aggregate classification (germline): Benign/Likely benign. Review status: criteria provided, multiple submitters, no conflicts (2 of 4 stars). 3 submissions from 3 submitters: Benign (1); Likely benign (2). Last evaluated 2026-05-20.

Conditions:
Neurofibromatosis, type 1 (NF1). Also called: VON RECKLINGHAUSEN DISEASE; Neurofibromatosis, type I; NEUROFIBROMATOSIS, TYPE I, SOMATIC; Peripheral type neurofibromatosis. Identifiers: Orphanet 636, MedGen C0027831, MONDO:0018975, OMIM 162200. Disease mechanism: loss of function.
Hereditary cancer-predisposing syndrome. Also called: Neoplastic Syndromes, Hereditary; Tumor predisposition; Hereditary Cancer Syndrome; Hereditary neoplastic syndrome. Identifiers: Orphanet 140162, MedGen C0027672, MeSH D009386, MONDO:0015356.
Cardiovascular phenotype. Identifiers: MedGen CN230736.

Submissions (3):

Myriad Genetics, Inc.
Classification: Benign for Neurofibromatosis, type 1. Last evaluated: 2026-05-20. Review status: criteria provided, single submitter. Criteria: Myriad Autosomal Dominant, Autosomal Recessive and X-Linked Classification Criteria (2023). Collection method: clinical testing. Allele origin: unknown.
Comment: This variant is considered benign. This variant is a silent/synonymous amino acid change and it is not expected to impact splicing.

Labcorp Genetics (formerly Invitae), Labcorp
Classification: Likely benign for Neurofibromatosis, type 1. Last evaluated: 2024-06-09. Review status: criteria provided, single submitter. Criteria: Invitae Variant Classification Sherloc (09022015). Collection method: clinical testing. Allele origin: germline.

Ambry Genetics
Classification: Likely benign for Cardiovascular phenotype; Hereditary cancer-predisposing syndrome. Last evaluated: 2023-11-03. Review status: criteria provided, single submitter. Criteria: Ambry Variant Classification Scheme 2023. Collection method: clinical testing. Allele origin: germline.

NM_001042492.3(NF1):c.3234A>T (p.Ser1078=)

Gene: NF1 (neurofibromin 1; plus strand). Cytogenetic location: 17q11.2.
Variant type: single nucleotide variant.
Coding change: c.3234A>T on transcript NM_001042492.3 (MANE Select); coding-DNA position 3234, A replaced by T.
Protein change: p.Ser1078=; no amino-acid change (serine 1078 retained).
Molecular consequence: synonymous variant.
Genome position (GRCh38, 1-based): chr17:31,232,109, A>T. VCF-style: chr17-31232109-A-T. GRCh37 (hg19) VCF-style: chr17-29559127-A-T.
Other names: c.3234A>T, p.Ser1078= (NM_000267.4).
Identifiers: ClinVar variation 1561309 (VCV001561309.10), dbSNP rs2151433727, ClinGen allele CA499232229.